The following is an entry in ClinVar:

NM_000352.6(ABCC8):c.3129G>A (p.Leu1043=)

Gene: ABCC8 (ATP binding cassette subfamily C member 8; minus strand). Cytogenetic location: 11p15.1.
Variant type: single nucleotide variant.
Coding change: c.3129G>A on transcript NM_000352.6 (MANE Select); coding-DNA position 3129, G replaced by A.
Protein change: p.Leu1043=; no amino-acid change (leucine 1043 retained).
Molecular consequence: synonymous variant. On other transcripts: non-coding transcript variant (1).
Genome position (GRCh38, 1-based): chr11:17,406,921, C>T on the plus strand (G>A on the coding strand, the complement: ABCC8 is on the minus strand). VCF-style: chr11-17406921-C-T. GRCh37 (hg19) VCF-style: chr11-17428468-C-T.
Other names: c.3132G>A, p.Leu1044= (NM_001287174.3); c.3195G>A, p.Leu1065= (NM_001351295.2); c.3129G>A, p.Leu1043= (NM_001351296.2); c.3126G>A, p.Leu1042= (NM_001351297.2).
Identifiers: ClinVar variation 753498 (VCV000753498.4), dbSNP rs1591744434, ClinGen allele CA473516130.

ClinVar aggregate classification (germline): Conflicting classifications of pathogenicity. Review status: criteria provided, conflicting classifications (1 of 4 stars). 3 submissions from 2 submitters: Uncertain significance (2); Likely benign (1). Last evaluated 2018-06-15.

Conditions:
Transitory neonatal diabetes mellitus. Also called: Transient neonatal diabetes mellitus. Identifiers: MedGen C0342273, MONDO:0020525, HP:0008255.
Maturity-onset diabetes of the young (MODY). Also called: Maturity onset diabetes mellitus in young. Identifiers: Orphanet 552, MedGen C0342276, MONDO:0018911, HP:0004904.

gnomAD v4.1: 1 of 1,614,038 alleles (0.000062%); highest among the groups gnomAD compares: South Asian, 0.0011%; no homozygotes.

Submissions (3):

Labcorp Genetics (formerly Invitae), Labcorp
Classification: Likely benign. Last evaluated: 2018-06-15. Review status: criteria provided, single submitter. Criteria: Invitae Variant Classification Sherloc (09022015). Collection method: clinical testing. Allele origin: germline.

Clinical Genomics, Uppaluri K&H Personalized Medicine Clinic
Classification: Uncertain significance for Maturity-onset diabetes of the young. Review status: criteria provided, single submitter. Criteria: K & H Uppaluri Personalized Medicine Clinic Variant Classification & Assertion Criteria_Updated V.1. Collection method: research. Allele origin: somatic. Inheritance: Somatic mutation.
Comment: Mutations in ABCC8 gene are associated with both neonatal diabetes mellitus as well as MODY. Patients with this mutation may have a better response to sulfonylureas. However, no sufficient evidence is found to ascertain the role of this particular variant ( rs1591744434) in MODY yet.

Clinical Genomics, Uppaluri K&H Personalized Medicine Clinic
Classification: Uncertain significance for Transitory neonatal diabetes mellitus. Review status: criteria provided, single submitter. Criteria: K & H Uppaluri Personalized Medicine Clinic Variant Classification & Assertion Criteria_Updated V.1. Collection method: research. Allele origin: somatic. Inheritance: Somatic mutation.
Comment: Mutations in ABCC8 gene are associated with both neonatal diabetes mellitus as well as MODY. Patients with this mutation may have a better response to sulfonylureas. However, no sufficient evidence is found to ascertain the role of this particular variant ( rs1591744434) in neonatal diabetes yet.

Literature cited by the submitters: PubMed 16885549 (cited by Clinical Genomics, Uppaluri K&H Personalized Medicine Clinic); PubMed 21989597 (cited by Clinical Genomics, Uppaluri K&H Personalized Medicine Clinic); PubMed 27538677 (cited by Clinical Genomics, Uppaluri K&H Personalized Medicine Clinic); PubMed 18981553 (cited by Clinical Genomics, Uppaluri K&H Personalized Medicine Clinic); PubMed 32027066 (cited by Clinical Genomics, Uppaluri K&H Personalized Medicine Clinic); PubMed 16613899 (cited by Clinical Genomics, Uppaluri K&H Personalized Medicine Clinic); PubMed 18025408 (cited by Clinical Genomics, Uppaluri K&H Personalized Medicine Clinic); PubMed 32792356 (cited by Clinical Genomics, Uppaluri K&H Personalized Medicine Clinic).